The following is an entry in ClinVar:

ClinVar aggregate classification (germline): Conflicting classifications of pathogenicity. Review status: criteria provided, conflicting classifications (1 of 4 stars). 4 submissions from 4 submitters: Uncertain significance (2); Likely benign (2). Last evaluated 2025-11-01.

Conditions:
Cardiomyopathy (CMYO). Also called: Cardiomyopathies. Identifiers: Orphanet 167848, MedGen C0878544, MONDO:0004994, HP:0001638. Inheritance: Various modes of inheritance.

Allele frequency attached by ClinVar (database versions not stated): gnomAD exomes 0.00001 and 0.00005; gnomAD 0.00002; TOPMed 0.00002; ExAC 0.00004.
gnomAD v4.1: 19 of 1,613,572 alleles (0.0012%); highest among the groups gnomAD compares: Admixed American, 0.03%; no homozygotes.

Submissions (4):

CeGaT Center for Human Genetics Tuebingen
Classification: Uncertain significance. Last evaluated: 2025-11-01. Review status: criteria provided, single submitter. Criteria: CeGaT Center For Human Genetics Tuebingen Variant Classification Criteria Version 2. Collection method: clinical testing. Allele origin: germline. Affected: yes. Observed: 1 variant allele.
Comment: TTN: PM2, BP4

Revvity Omics, Revvity
Classification: Uncertain significance. Last evaluated: 2025-02-23. Review status: criteria provided, single submitter. Criteria: ACMG Guidelines, 2015. Collection method: clinical testing. Allele origin: germline.

GeneDx
Classification: Likely benign. Last evaluated: 2019-04-01. Review status: criteria provided, single submitter. Criteria: GeneDx Variant Classification Process June 2021. Collection method: clinical testing. Allele origin: germline. Affected: yes.

Center for Advanced Laboratory Medicine, UC San Diego Health, University of California San Diego
Classification: Likely benign for Cardiomyopathy. Last evaluated: 2019-01-24. Review status: criteria provided, single submitter. Criteria: ACMG Guidelines, 2015. Collection method: clinical testing. Allele origin: germline. Affected: yes. Observed: 1 variant allele.

NM_001267550.2(TTN):c.16464A>C (p.Lys5488Asn)

Gene: TTN (titin; minus strand). Cytogenetic location: 2q31.2.
Variant type: single nucleotide variant.
Coding change: c.16464A>C on transcript NM_001267550.2 (MANE Select); coding-DNA position 16464, A replaced by C.
Protein change: p.Lys5488Asn; replaces lysine 5488 with asparagine.
Molecular consequence: missense variant. On other transcripts: intron variant (3).
Genome position (GRCh38, 1-based): chr2:178,732,597, T>G on the plus strand (A>C on the coding strand, the complement: TTN is on the minus strand). VCF-style: chr2-178732597-T-G. GRCh37 (hg19) VCF-style: chr2-179597324-T-G.
Other names: c.15513A>C, p.Lys5171Asn (NM_001256850.1); c.12732A>C, p.Lys4244Asn (NM_133378.4); c.13282+5485A>C (NM_003319.4); c.13858+5485A>C (NM_133437.4); c.13657+5485A>C (NM_133432.3); short protein forms K4244N, K5488N, K5171N.
Identifiers: ClinVar variation 691759 (VCV000691759.11), dbSNP rs760521859, ClinGen allele CA2002028.